The following is an entry in ClinVar:

NM_002161.6(IARS1):c.3377dup (p.Asn1126fs)

Gene: IARS1 (isoleucyl-tRNA synthetase 1; minus strand). Cytogenetic location: 9q22.31.
Variant type: Duplication.
Coding change: c.3377dup on transcript NM_002161.6 (MANE Select); coding-DNA position 3377, one base duplicated (A; older notation c.3377dupA).
Protein change: p.Asn1126fs; shifts the reading frame from asparagine 1126.
Molecular consequence: frameshift variant. On other transcripts: non-coding transcript variant (1), intron variant (1).
Genome position (GRCh38, 1-based): chr9:92,229,033, T duplicated on the plus strand (A on the coding strand, the reverse complement: IARS1 is on the minus strand); the first of 5 consecutive T bases (chr9:92,229,033-92,229,037); duplicating any one gives the same sequence. VCF-style (leftmost placement, unchanged base first): chr9-92229032-A-AT. GRCh37 (hg19) VCF-style: chr9-94991314-A-AT.
Other names: c.3377dup, p.Asn1126fs (NM_001378586.1, NM_013417.4, NM_001378572.1 and 8 more transcripts); c.3367+10dup (NM_001378577.1); c.3302dup, p.Asn1101fs (NM_001374299.1, NM_001374300.1, NM_001378584.1); c.3293dup, p.Asn1098fs (NM_001374301.1); c.3440dup, p.Asn1147fs (NM_001378569.1); c.3398dup, p.Asn1133fs (NM_001378571.1); c.3281dup, p.Asn1094fs (NM_001378582.1); c.3254dup, p.Asn1085fs (NM_001378583.1); short protein forms N1085fs, N1094fs, N1098fs, N1101fs, N1126fs, N1133fs, N1147fs.
Identifiers: ClinVar variation 1326103 (VCV001326103.4), dbSNP rs775291555, ClinGen allele CA5121893.

ClinVar aggregate classification (germline): Pathogenic/Likely pathogenic. Review status: criteria provided, multiple submitters, no conflicts (2 of 4 stars). 3 submissions from 3 submitters: Pathogenic (1); Likely pathogenic (2). Last evaluated 2025-12-09.

Conditions:
Growth retardation, intellectual developmental disorder, hypotonia, and hepatopathy (GRIDHH). Also called: GROWTH RETARDATION, IMPAIRED INTELLECTUAL DEVELOPMENT, HYPOTONIA, AND HEPATOPATHY. Identifiers: Orphanet 541423, MedGen C4310720, MONDO:0014911, OMIM 617093.

Submissions (3):

Variantyx, Inc.
Classification: Likely pathogenic for Growth retardation, intellectual developmental disorder, hypotonia, and hepatopathy. Last evaluated: 2025-12-09. Review status: criteria provided, single submitter. Criteria: Variantyx Assertion Criteria 2022. Collection method: clinical testing. Allele origin: germline. Inheritance: Autosomal recessive inheritance. Affected: no.
Comment: This is a frameshift variant in the IARS1 gene (OMIM: 600709). Pathogenic variants in this gene have been associated with autosomal recessive growth retardation, impaired intellectual development, hypotonia, and hepatopathy. This variant introduces a premature termination codon in exon 31 out of 34 and is expected to result in loss of function, which is a known disease mechanism for IARS1 in this disorder (PMID: 27426735) (PVS1). This variant has been reported in the homozygous or compound heterozygous state in 1 affected individual (PMID: 30369941) and has a 0.0063% maximum allele frequency in non-founder control populations (PM2). Based on the current evidence, this variant is classified as likely pathogenic for autosomal recessive growth retardation, impaired intellectual development, hypotonia, and hepatopathy.

Labcorp Genetics (formerly Invitae), Labcorp
Classification: Pathogenic. Last evaluated: 2025-09-02. Review status: criteria provided, single submitter. Criteria: Invitae Variant Classification Sherloc (09022015). Collection method: clinical testing. Allele origin: germline.
Comment: This sequence change creates a premature translational stop signal (p.Asn1126Lysfs*9) in the IARS gene. It is expected to result in an absent or disrupted protein product. Loss-of-function variants in IARS are known to be pathogenic (PMID: 27426735, 27891590). This variant is present in population databases (rs775291555, gnomAD 0.009%). This premature translational stop signal has been observed in individual(s) with clinical features of IARS-related conditions (PMID: 29875423, 30369941). ClinVar contains an entry for this variant (Variation ID: 1326103). For these reasons, this variant has been classified as Pathogenic.

GeneDx
Classification: Likely pathogenic. Last evaluated: 2021-05-17. Review status: criteria provided, single submitter. Criteria: GeneDx Variant Classification Process June 2021. Collection method: clinical testing. Allele origin: germline. Affected: yes.
Comment: Frameshift variant predicted to result in protein truncation or nonsense mediated decay in a gene for which loss-of-function is a known mechanism of disease; This variant is associated with the following publications: (PMID: 30369941)

Literature cited by the submitters: PubMed 27426735 (cited by Variantyx, Inc. and Labcorp Genetics (formerly Invitae), Labcorp); PubMed 27891590 (cited by Labcorp Genetics (formerly Invitae), Labcorp); PubMed 29875423 (cited by Labcorp Genetics (formerly Invitae), Labcorp); PubMed 30369941 (cited by Labcorp Genetics (formerly Invitae), Labcorp).